The following is an entry in ClinVar:

ClinVar aggregate classification (germline): Uncertain significance (1 of 4 stars; one submission).

Allele frequency attached by ClinVar (database versions not stated): gnomAD 0.00001; gnomAD exomes 0.00001 and 0.00002; ExAC 0.00002; TOPMed 0.00002.
gnomAD v4.1: 13 of 1,610,310 alleles (0.00081%); highest among the groups gnomAD compares: East Asian, 0.0022%; no homozygotes.

Submission:

Labcorp Genetics (formerly Invitae), Labcorp
Classification: Uncertain significance. Last evaluated: 2025-03-03. Review status: criteria provided, single submitter. Criteria: Invitae Variant Classification Sherloc (09022015). Collection method: clinical testing. Allele origin: germline.
Comment: This sequence change replaces arginine, which is basic and polar, with glutamine, which is neutral and polar, at codon 49 of the IFNAR2 protein (p.Arg49Gln). This variant is present in population databases (rs533026439, gnomAD 0.006%). This variant has not been reported in the literature in individuals affected with IFNAR2-related conditions. ClinVar contains an entry for this variant (Variation ID: 1424260). An algorithm developed to predict the effect of missense changes on protein structure and function outputs the following: PolyPhen-2: "Probably Damaging". The glutamine amino acid residue is found in multiple mammalian species, which suggests that this missense change does not adversely affect protein function. In summary, the available evidence is currently insufficient to determine the role of this variant in disease. Therefore, it has been classified as a Variant of Uncertain Significance.

NM_001289125.3(IFNAR2):c.146G>A (p.Arg49Gln)

Genes: IFNAR2 (interferon alpha and beta receptor subunit 2; plus strand), IFNAR2-IL10RB (IFNAR2-IL10RB readthrough; plus strand). Cytogenetic location: 21q22.11.
Variant type: single nucleotide variant.
Coding change: c.146G>A on transcript NM_001289125.3 (MANE Select); coding-DNA position 146, G replaced by A.
Protein change: p.Arg49Gln; replaces arginine 49 with glutamine.
Molecular consequence: missense variant.
Genome position (GRCh38, 1-based): chr21:33,244,999, G>A. VCF-style: chr21-33244999-G-A. GRCh37 (hg19) VCF-style: chr21-34617304-G-A.
Other names: c.146G>A, p.Arg49Gln (NM_000874.5, NM_001289126.2, NM_001289128.2 and 4 more transcripts); short protein forms R49Q.
Identifiers: ClinVar variation 1424260 (VCV001424260.6), dbSNP rs533026439, ClinGen allele CA10005570.